The following is an entry in ClinVar:

ClinVar aggregate classification (germline): Benign/Likely benign. Review status: criteria provided, multiple submitters, no conflicts (2 of 4 stars). 4 submissions from 4 submitters: Benign (1); Likely benign (3). Last evaluated 2025-05-17.

Conditions:
Cardiomyopathy (CMYO). Also called: Cardiomyopathies. Identifiers: Orphanet 167848, MedGen C0878544, MONDO:0004994, HP:0001638. Inheritance: Various modes of inheritance.
Cardiovascular phenotype. Identifiers: MedGen CN230736.
Primary familial hypertrophic cardiomyopathy (HCM). Identifiers: Orphanet 99739, MedGen C0949658, MeSH D024741, MONDO:0024573. Inheritance: Various modes of inheritance.
Dilated cardiomyopathy 1AA (CMD1AA). Also called: CARDIOMYOPATHY, DILATED, 1AA, WITH OR WITHOUT LEFT VENTRICULAR NONCOMPACTION; CARDIOMYOPATHY, FAMILIAL HYPERTROPHIC, 23, WITH OR WITHOUT LEFT VENTRICULAR NONCOMPACTION; Cardiomyopathy, dilated, 1AA, with or without LVNC. Identifiers: Orphanet 154, MedGen C2677338, MONDO:0012808, OMIM 612158.

Allele frequency attached by ClinVar (database versions not stated): TOPMed below 0.00001; gnomAD 0.00001; ESP Exome Variant Server 0.00008.
gnomAD v4.1: 13 of 1,614,046 alleles (0.00081%); highest among the groups gnomAD compares: South Asian, 0.0022%; no homozygotes.

Submissions (4):

Labcorp Genetics (formerly Invitae), Labcorp
Classification: Likely benign for Primary familial hypertrophic cardiomyopathy; Dilated cardiomyopathy 1AA. Last evaluated: 2025-05-17. Review status: criteria provided, single submitter. Criteria: Invitae Variant Classification Sherloc (09022015). Collection method: clinical testing. Allele origin: germline.

Ambry Genetics
Classification: Likely benign for Cardiovascular phenotype. Last evaluated: 2021-07-26. Review status: criteria provided, single submitter. Criteria: Ambry Variant Classification Scheme 2023. Collection method: clinical testing. Allele origin: germline.

CHEO Genetics Diagnostic Laboratory, Children's Hospital of Eastern Ontario
Classification: Likely benign for Cardiomyopathy. Last evaluated: 2020-03-02. Review status: criteria provided, single submitter. Criteria: ACMG Guidelines, 2015. Collection method: clinical testing. Allele origin: germline.

GeneDx
Classification: Benign. Last evaluated: 2014-05-13. Review status: criteria provided, single submitter. Criteria: GeneDx Variant Classification (06012015). Collection method: clinical testing. Allele origin: germline. Affected: yes.
Comment: This variant is considered likely benign or benign based on one or more of the following criteria: it is a conservative change, it occurs at a poorly conserved position in the protein, it is predicted to be benign by multiple in silico algorithms, and/or has population frequency not consistent with disease.

NM_001103.4(ACTN2):c.1332C>T (p.His444=)

Gene: ACTN2 (actinin alpha 2; plus strand). Cytogenetic location: 1q43.
Variant type: single nucleotide variant.
Coding change: c.1332C>T on transcript NM_001103.4 (MANE Select); coding-DNA position 1332, C replaced by T.
Protein change: p.His444=; no amino-acid change (histidine 444 retained).
Molecular consequence: synonymous variant.
Genome position (GRCh38, 1-based): chr1:236,744,702, C>T. VCF-style: chr1-236744702-C-T. GRCh37 (hg19) VCF-style: chr1-236908002-C-T.
Other names: p.H444H:CAC>CAT; c.1332C>T, p.His444= (NM_001278343.2); c.708C>T, p.His236= (NM_001278344.2).
Identifiers: ClinVar variation 136285 (VCV000136285.14), dbSNP rs373709019, ClinGen allele CA333043.